The following is an entry in ClinVar:

ClinVar aggregate classification (germline): Uncertain significance. Review status: criteria provided, single submitter (1 of 4 stars). 3 submissions from 3 submitters: Uncertain significance (1). 2 of the submissions do not count toward it. Last evaluated 2023-12-03.

Conditions:
Hereditary spastic paraplegia 10 (SPG10). Also called: SPASTIC PARAPLEGIA 10 WITH OR WITHOUT PERIPHERAL NEUROPATHY; SPASTIC PARAPLEGIA 10 WITH PERIPHERAL NEUROPATHY; SPASTIC PARAPLEGIA 10, AUTOSOMAL DOMINANT. Identifiers: Orphanet 100991, MedGen C1858712, MONDO:0011408, OMIM 604187.

Submissions (3):

3billion
Classification: Uncertain significance for Hereditary spastic paraplegia 10. Last evaluated: 2023-12-03. Review status: criteria provided, single submitter. Criteria: ACMG Guidelines, 2015. Collection method: clinical testing. Allele origin: germline. Affected: yes.
Comment: The variant is not observed in the gnomAD v2.1.1 dataset. Predicted Consequence/Location: Intron variant In silico tools predict the variant to alter splicing and produce an abnormal transcript [SpliceAI: 0.69 (>=0.2, moderate evidence for spliceogenicity)]. Therefore, this variant is classified as VUS according to the recommendation of ACMG/AMP guideline.

Diagnostic Laboratory, Department of Genetics, University Medical Center Groningen
Classification: Uncertain significance. Review status: no assertion criteria provided. Collection method: clinical testing. Allele origin: germline. Affected: yes. Study: VKGL Data-share Consensus. Not counted in ClinVar's aggregate classification.

Joint Genome Diagnostic Labs from Nijmegen and Maastricht, Radboudumc and MUMC+
Classification: Uncertain significance. Review status: no assertion criteria provided. Collection method: clinical testing. Allele origin: germline. Affected: yes. Study: VKGL Data-share Consensus. Not counted in ClinVar's aggregate classification.

NM_004984.4(KIF5A):c.1569+5G>A

Gene: KIF5A (kinesin family member 5A; plus strand). Cytogenetic location: 12q13.3.
Variant type: single nucleotide variant.
Coding change: c.1569+5G>A on transcript NM_004984.4 (MANE Select); 5 bases into the intron after coding-DNA position 1569, G replaced by A.
Molecular consequence: intron variant.
Genome position (GRCh38, 1-based): chr12:57,572,272, G>A. VCF-style: chr12-57572272-G-A. GRCh37 (hg19) VCF-style: chr12-57966055-G-A.
Other names: c.1302+5G>A (NM_001354705.2).
Identifiers: ClinVar variation 1174661 (VCV001174661.6), dbSNP rs2140165311, ClinGen allele CA2499221764.